The following is an entry in ClinVar:

ClinVar aggregate classification (germline): Uncertain significance. Review status: criteria provided, multiple submitters, no conflicts (2 of 4 stars). 2 submissions from 2 submitters: Uncertain significance (2). Last evaluated 2026-03-05.

Conditions:
Multiple congenital anomalies-hypotonia-seizures syndrome 1 (MCAHS1). Also called: PIGN-CDG; Congenital disorder of glycosylation due to PIGN deficiency; GLYCOSYLPHOSPHATIDYLINOSITOL BIOSYNTHESIS DEFECT 3. Identifiers: Orphanet 280633, MedGen C3279775, MONDO:0013563, OMIM 614080.

Allele frequency attached by ClinVar (database versions not stated): ExAC 0.00001; gnomAD 0.00001; gnomAD exomes 0.00001; TOPMed 0.00001; ESP Exome Variant Server 0.00008.
gnomAD v4.1: 53 of 1,612,856 alleles (0.0033%); highest among the groups gnomAD compares: Non-Finnish European, 0.0044%; no homozygotes.

Submissions (2):

GeneDx
Classification: Uncertain significance. Last evaluated: 2026-03-05. Review status: criteria provided, single submitter. Criteria: GeneDx Variant Classification Process June 2021. Collection method: clinical testing. Allele origin: germline.
Comment: Not observed at significant frequency in large population cohorts (gnomAD); In silico analysis supports that this missense variant has a deleterious effect on protein structure/function; Has not been previously published as pathogenic or benign to our knowledge

Labcorp Genetics (formerly Invitae), Labcorp
Classification: Uncertain significance for Multiple congenital anomalies-hypotonia-seizures syndrome 1. Last evaluated: 2022-08-09. Review status: criteria provided, single submitter. Criteria: Invitae Variant Classification Sherloc (09022015). Collection method: clinical testing. Allele origin: germline.
Comment: This sequence change replaces tyrosine, which is neutral and polar, with aspartic acid, which is acidic and polar, at codon 457 of the PIGN protein (p.Tyr457Asp). This variant is present in population databases (rs374735293, gnomAD 0.003%). This variant has not been reported in the literature in individuals affected with PIGN-related conditions. ClinVar contains an entry for this variant (Variation ID: 1015869). Algorithms developed to predict the effect of missense changes on protein structure and function (SIFT, PolyPhen-2, Align-GVGD) all suggest that this variant is likely to be disruptive. In summary, the available evidence is currently insufficient to determine the role of this variant in disease. Therefore, it has been classified as a Variant of Uncertain Significance.

NM_176787.5(PIGN):c.1369T>G (p.Tyr457Asp)

Gene: PIGN (phosphatidylinositol glycan anchor biosynthesis class N; minus strand). Cytogenetic location: 18q21.33.
Variant type: single nucleotide variant.
Coding change: c.1369T>G on transcript NM_176787.5 (MANE Select); coding-DNA position 1369, T replaced by G.
Protein change: p.Tyr457Asp; replaces tyrosine 457 with aspartic acid.
Molecular consequence: missense variant.
Genome position (GRCh38, 1-based): chr18:62,113,199, A>C on the plus strand (T>G on the coding strand, the complement: PIGN is on the minus strand). VCF-style: chr18-62113199-A-C. GRCh37 (hg19) VCF-style: chr18-59780432-A-C.
Other names: c.1369T>G, p.Tyr457Asp (NM_012327.6); c.1369T>G (NM_176787.4); short protein forms Y457D.
Identifiers: ClinVar variation 1015869 (VCV001015869.5), dbSNP rs374735293, ClinGen allele CA8982320.